The following is an entry in ClinVar:

NM_015100.4(POGZ):c.2545+1G>C

Gene: POGZ (pogo transposable element derived with ZNF domain; minus strand). Cytogenetic location: 1q21.3.
Variant type: single nucleotide variant.
Coding change: c.2545+1G>C on transcript NM_015100.4 (MANE Select); the canonical splice donor site of the intron after coding-DNA position 2545, G replaced by C.
Molecular consequence: splice donor variant.
Genome position (GRCh38, 1-based): chr1:151,406,910, C>G on the plus strand (G>C on the coding strand, the complement: POGZ is on the minus strand). VCF-style: chr1-151406910-C-G. GRCh37 (hg19) VCF-style: chr1-151379386-C-G.
Other names: c.2359+1G>C (NM_001194938.2); c.2260+1G>C (NM_145796.4); c.2518+1G>C (NM_001194937.2); c.2566+1G>C (NM_001410860.1); c.2386+1G>C (NM_207171.2).
Identifiers: ClinVar variation 3899347 (VCV003899347.2).

ClinVar aggregate classification (germline): Pathogenic (1 of 4 stars; one submission).

Conditions:
Intellectual disability-microcephaly-strabismus-behavioral abnormalities syndrome. Also called: White-Sutton Syndrome. Identifiers: Orphanet 468678, MedGen C4225351, MONDO:0014606, OMIM 616364.

Submission:

Juno Genomics, Hangzhou Juno Genomics, Inc
Classification: Pathogenic for Intellectual disability-microcephaly-strabismus-behavioral abnormalities syndrome. Review status: criteria provided, single submitter. Criteria: ACMG Guidelines, 2015. Collection method: clinical testing. Allele origin: germline. Affected: yes.
Comment: Absent from controls (or at extremely low frequency if recessive) in Genome Aggregation Database, Exome Sequencing Project, 1000 Genomes Project, or Exome Aggregation Consortium.;Null variant in a gene where loss of function (LOF) is a known mechanism of disease.;The prevalence of the variant in affected individuals is significantly increased compared to the prevalence in controls.;De novo (both maternity and paternity confirmed) in a patient with the disease and no family history.